The following is an entry in ClinVar:

NM_000057.4(BLM):c.2973T>C (p.Leu991=)

Gene: BLM (BLM RecQ like helicase; plus strand). Cytogenetic location: 15q26.1.
Variant type: single nucleotide variant.
Coding change: c.2973T>C on transcript NM_000057.4 (MANE Select); coding-DNA position 2973, T replaced by C.
Protein change: p.Leu991=; no amino-acid change (leucine 991 retained).
Molecular consequence: synonymous variant.
Genome position (GRCh38, 1-based): chr15:90,790,798, T>C. VCF-style: chr15-90790798-T-C. GRCh37 (hg19) VCF-style: chr15-91334028-T-C.
Other names: c.2973T>C (NM_000057.2); c.2973T>C, p.Leu991= (NM_001287246.2, NM_001287247.2); c.1848T>C, p.Leu616= (NM_001287248.2).
Identifiers: ClinVar variation 1103307 (VCV001103307.18), dbSNP rs2151184673, ClinGen allele CA492164256.
Genomic context (GRCh38, chr15:90,790,798, plus strand): 5'-GGGTTACTACCAAGAATCTGGCAGAGCTGGAAGAGATGGGGAAATATCTCACTGCCTGCT[T>C]TTCTATACCTATCATGATGTGACCAGACTGAAAAGACTTATAATGAGTAAGCTGGGCTCC-3'
Protein context (NP_000048.1, residues 981-1001): GRDGEISHCL[Leu991=]FYTYHDVTRL

ClinVar aggregate classification (germline): Likely benign. Review status: criteria provided, multiple submitters, no conflicts (2 of 4 stars). 3 submissions from 3 submitters: Likely benign (3). Last evaluated 2025-08-01.

Conditions:
Hereditary cancer-predisposing syndrome. Also called: Neoplastic Syndromes, Hereditary; Tumor predisposition; Hereditary neoplastic syndrome; Hereditary Cancer Syndrome. Identifiers: Orphanet 140162, MedGen C0027672, MeSH D009386, MONDO:0015356.
Bloom syndrome (BLM). Also called: Bloom-Torre-Machacek syndrome. Identifiers: Orphanet 125, MedGen C0005859, MONDO:0008876, OMIM 210900.

Submissions (3):

CeGaT Center for Human Genetics Tuebingen
Classification: Likely benign. Last evaluated: 2025-08-01. Review status: criteria provided, single submitter. Criteria: CeGaT Center For Human Genetics Tuebingen Variant Classification Criteria Version 2. Collection method: clinical testing. Allele origin: germline. Affected: yes. Observed: 1 variant allele.
Comment: BLM: BP4, BP7

Labcorp Genetics (formerly Invitae), Labcorp
Classification: Likely benign for Bloom syndrome. Last evaluated: 2024-06-19. Review status: criteria provided, single submitter. Criteria: Invitae Variant Classification Sherloc (09022015). Collection method: clinical testing. Allele origin: germline.

Ambry Genetics
Classification: Likely benign for Hereditary cancer-predisposing syndrome. Last evaluated: 2024-03-30. Review status: criteria provided, single submitter. Criteria: Ambry Variant Classification Scheme 2023. Collection method: clinical testing. Allele origin: germline.